The following is an entry in ClinVar:

NM_015338.6(ASXL1):c.2300C>A (p.Ser767Tyr)

Gene: ASXL1 (ASXL transcriptional regulator 1; plus strand). Cytogenetic location: 20q11.21.
Variant type: single nucleotide variant.
Coding change: c.2300C>A on transcript NM_015338.6 (MANE Select); coding-DNA position 2300, C replaced by A.
Protein change: p.Ser767Tyr; replaces serine 767 with tyrosine.
Molecular consequence: missense variant.
Genome position (GRCh38, 1-based): chr20:32,435,012, C>A. VCF-style: chr20-32435012-C-A. GRCh37 (hg19) VCF-style: chr20-31022815-C-A.
Other names: c.2117C>A, p.Ser706Tyr (NM_001363734.1); short protein forms S767Y, S706Y.
Identifiers: ClinVar variation 2138425 (VCV002138425.4), dbSNP rs376999466, ClinGen allele CA9808586.

ClinVar aggregate classification (germline): Uncertain significance (1 of 4 stars; one submission).

Allele frequency attached by ClinVar (database versions not stated): gnomAD 0.00001; ExAC 0.00002; gnomAD exomes 0.00002; TOPMed 0.00002; ESP Exome Variant Server 0.00008.
gnomAD v4.1: 31 of 1,614,072 alleles (0.0019%); highest among the groups gnomAD compares: Non-Finnish European, 0.0025%; no homozygotes.

Submission:

Labcorp Genetics (formerly Invitae), Labcorp
Classification: Uncertain significance. Last evaluated: 2024-04-08. Review status: criteria provided, single submitter. Criteria: Invitae Variant Classification Sherloc (09022015). Collection method: clinical testing. Allele origin: germline.
Comment: This sequence change replaces serine, which is neutral and polar, with tyrosine, which is neutral and polar, at codon 767 of the ASXL1 protein (p.Ser767Tyr). This variant is present in population databases (rs376999466, gnomAD 0.008%). This variant has not been reported in the literature in individuals affected with ASXL1-related conditions. ClinVar contains an entry for this variant (Variation ID: 2138425). An algorithm developed to predict the effect of missense changes on protein structure and function (PolyPhen-2) suggests that this variant is likely to be disruptive. In summary, the available evidence is currently insufficient to determine the role of this variant in disease. Therefore, it has been classified as a Variant of Uncertain Significance.